The following is an entry in ClinVar:

NM_024101.7(MLPH):c.1552C>G (p.Arg518Gly)

Gene: MLPH (melanophilin; plus strand). Cytogenetic location: 2q37.3.
Variant type: single nucleotide variant.
Coding change: c.1552C>G on transcript NM_024101.7 (MANE Select); coding-DNA position 1552, C replaced by G.
Protein change: p.Arg518Gly; replaces arginine 518 with glycine.
Molecular consequence: missense variant. On other transcripts: non-coding transcript variant (1).
Genome position (GRCh38, 1-based): chr2:237,546,618, C>G. VCF-style: chr2-237546618-C-G. GRCh37 (hg19) VCF-style: chr2-238455261-C-G.
Other names: c.1468C>G, p.Arg490Gly (NM_001042467.3); c.1192C>G, p.Arg398Gly (NM_001281473.2); c.1123C>G, p.Arg375Gly (NM_001281474.2); c.1552C>G (NM_024101.6); short protein forms R490G, R398G, R375G, R518G.
Identifiers: ClinVar variation 2222959 (VCV002222959.8), dbSNP rs560560352, ClinGen allele CA2190717.

ClinVar aggregate classification (germline): Uncertain significance. Review status: criteria provided, multiple submitters, no conflicts (2 of 4 stars). 3 submissions from 3 submitters: Uncertain significance (2). 1 of the submissions does not count toward it. Last evaluated 2024-10-11.

Conditions:
Inborn genetic diseases. Identifiers: MedGen C0950123, MeSH D030342.
Griscelli syndrome type 3 (GS3). Identifiers: Orphanet 381, Orphanet 79478, MedGen C1836573, MONDO:0012220, OMIM 609227.
MLPH-related disorder. Also called: MLPH-related condition.

Allele frequency attached by ClinVar (database versions not stated): TOPMed 0.00002; gnomAD 0.00005; ExAC 0.00012; 1000 Genomes Project 30x 0.00016; 1000 Genomes Project 0.00020.
gnomAD v4.1: 128 of 1,614,094 alleles (0.0079%); highest among the groups gnomAD compares: South Asian, 0.13%; 2 homozygotes.

Submissions (3):

Ambry Genetics
Classification: Uncertain significance for Inborn genetic diseases. Last evaluated: 2024-10-11. Review status: criteria provided, single submitter. Criteria: Ambry Variant Classification Scheme 2023. Collection method: clinical testing. Allele origin: germline.

Revvity Omics, Revvity
Classification: Uncertain significance for Griscelli syndrome type 3. Last evaluated: 2020-10-01. Review status: criteria provided, single submitter. Criteria: ACMG Guidelines, 2015. Collection method: clinical testing. Allele origin: germline.

PreventionGenetics, part of Exact Sciences
Classification: Uncertain significance for MLPH-related condition. Last evaluated: 2023-11-14. Review status: no assertion criteria provided. Collection method: clinical testing. Allele origin: germline. Not counted in ClinVar's aggregate classification.
Comment: The MLPH c.1552C>G variant is predicted to result in the amino acid substitution p.Arg518Gly. To our knowledge, this variant has not been reported in the literature. This variant is reported in 0.12% of alleles in individuals of South Asian descent in gnomAD. At this time, the clinical significance of this variant is uncertain due to the absence of conclusive functional and genetic evidence.